The following is an entry in ClinVar:

NM_000038.6(APC):c.1120C>T (p.Arg374Trp)

Gene: APC (APC regulator of Wnt signaling pathway; plus strand). Cytogenetic location: 5q22.2.
Variant type: single nucleotide variant.
Coding change: c.1120C>T on transcript NM_000038.6 (MANE Select); coding-DNA position 1120, C replaced by T.
Protein change: p.Arg374Trp; replaces arginine 374 with tryptophan.
Molecular consequence: missense variant. On other transcripts: intron variant (4).
Genome position (GRCh38, 1-based): chr5:112,819,152, C>T. VCF-style: chr5-112819152-C-T. GRCh37 (hg19) VCF-style: chr5-112154849-C-T.
Other names: c.1120C>T, p.Arg374Trp (NM_001127510.3, NM_001354895.2, NM_001354896.2); c.1066C>T, p.Arg356Trp (NM_001127511.3); c.1150C>T, p.Arg384Trp (NM_001354897.2); c.1045C>T, p.Arg349Trp (NM_001354898.2); c.1036C>T, p.Arg346Trp (NM_001354899.2); c.943C>T, p.Arg315Trp (NM_001354900.2, NM_001354901.2); c.271C>T, p.Arg91Trp (NM_001354906.2); c.964-117C>T (NM_001354902.2); and 3 more; short protein forms R374W, R356W, R346W, R91W, R384W, R315W, R349W.
Identifiers: ClinVar variation 469699 (VCV000469699.21), dbSNP rs947634162, ClinGen allele CA16023764.

ClinVar aggregate classification (germline): Uncertain significance. Review status: criteria provided, multiple submitters, no conflicts (2 of 4 stars). 5 submissions from 5 submitters: Uncertain significance (5). Last evaluated 2025-12-03.

Conditions:
Hereditary cancer-predisposing syndrome. Also called: Hereditary neoplastic syndrome; Neoplastic Syndromes, Hereditary; Tumor predisposition; Hereditary Cancer Syndrome. Identifiers: Orphanet 140162, MedGen C0027672, MeSH D009386, MONDO:0015356.
Familial adenomatous polyposis 1 (FAP1). Also called: POLYPOSIS, ADENOMATOUS INTESTINAL; FAMILIAL ADENOMATOUS POLYPOSIS 1, ATTENUATED. Identifiers: MedGen C2713442, MONDO:0021056, OMIM 175100. Disease mechanism: loss of function.
Classic or attenuated familial adenomatous polyposis. Identifiers: MedGen CN372698, MONDO:0021057.

Allele frequency attached by ClinVar (database versions not stated): gnomAD exomes below 0.00001.
gnomAD v4.1: 6 of 1,613,972 alleles (0.00037%); highest among the groups gnomAD compares: East Asian, 0.0022%; no homozygotes.

Submissions (5):

Labcorp Genetics (formerly Invitae), Labcorp
Classification: Uncertain significance for Familial adenomatous polyposis 1. Last evaluated: 2025-12-03. Review status: criteria provided, single submitter. Criteria: Invitae Variant Classification Sherloc (09022015). Collection method: clinical testing. Allele origin: germline.
Comment: This sequence change replaces arginine, which is basic and polar, with tryptophan, which is neutral and slightly polar, at codon 374 of the APC protein (p.Arg374Trp). This variant is present in population databases (no rsID available, gnomAD 0.0009%). This variant has not been reported in the literature in individuals affected with APC-related conditions. ClinVar contains an entry for this variant (Variation ID: 469699). Invitae Evidence Modeling of protein sequence and biophysical properties (such as structural, functional, and spatial information, amino acid conservation, physicochemical variation, residue mobility, and thermodynamic stability) indicates that this missense variant is not expected to disrupt APC protein function with a negative predictive value of 95%. In summary, the available evidence is currently insufficient to determine the role of this variant in disease. Therefore, it has been classified as a Variant of Uncertain Significance.

Ambry Genetics
Classification: Uncertain significance for Hereditary cancer-predisposing syndrome. Last evaluated: 2025-11-21. Review status: criteria provided, single submitter. Criteria: Ambry Variant Classification Scheme 2023. Collection method: clinical testing. Allele origin: germline.
Comment: The p.R374W variant (also known as c.1120C>T), located in coding exon 9 of the APC gene, results from a C to T substitution at nucleotide position 1120. The arginine at codon 374 is replaced by tryptophan, an amino acid with dissimilar properties. This amino acid position is highly conserved in available vertebrate species. In addition, in silico predictors for this gene do not accurately predict pathogenicity. Missense variants in APC are not a common cause of disease (Spier I et al. Genet Med. 2024 Feb;26(2):100992). Based on the available evidence, the clinical significance of this variant remains unclear.

All of Us Research Program, National Institutes of Health
Classification: Uncertain significance for Classic or attenuated familial adenomatous polyposis. Last evaluated: 2023-05-23. Review status: criteria provided, single submitter. Criteria: ACMG Guidelines, 2015. Collection method: clinical testing. Allele origin: germline. Inheritance: Autosomal dominant inheritance. Observed: 1 variant allele, 1 heterozygote.
Comment: This missense variant replaces arginine with tryptophan at codon 374 of the APC protein. Computational prediction is inconclusive regarding the impact of this variant on protein structure and function (internally defined REVEL score threshold 0.5 < inconclusive < 0.7, PMID: 27666373). To our knowledge, functional studies have not been reported for this variant. This variant has not been reported in individuals affected with hereditary cancer in the literature. This variant has been identified in 1/250820 chromosomes in the general population by the Genome Aggregation Database (gnomAD). The available evidence is insufficient to determine the role of this variant in disease conclusively. Therefore, this variant is classified as a Variant of Uncertain Significance.

This study involves interpretation of variants in research participants for the purpose of population health screening. Participant phenotype was not available at the time of variant classification. Additional details can be found in publication PMID: 35346344, PMCID: PMC8962531

Women's Health and Genetics/Laboratory Corporation of America, LabCorp
Classification: Uncertain significance. Last evaluated: 2021-05-24. Review status: criteria provided, single submitter. Criteria: LabCorp Variant Classification Summary - May 2015. Collection method: clinical testing. Allele origin: germline.
Comment: Variant summary: APC c.1120C>T (p.Arg374Trp) results in a non-conservative amino acid change in the encoded protein sequence. Five of five in-silico tools predict a damaging effect of the variant on protein function. The variant allele was found at a frequency of 4e-06 in 250820 control chromosomes. The available data on variant occurrences in the general population are insufficient to allow any conclusion about variant significance. To our knowledge, no occurrence of c.1120C>T in individuals affected with Familial Adenomatous Polyposis and no experimental evidence demonstrating its impact on protein function have been reported. Three clinical diagnostic laboratories have submitted clinical-significance assessments for this variant to ClinVar after 2014 without evidence for independent evaluation. All laboratories classified the variant as uncertain significance. Based on the evidence outlined above, the variant was classified as uncertain significance.

Color Diagnostics, LLC DBA Color Health
Classification: Uncertain significance for Hereditary cancer-predisposing syndrome. Last evaluated: 2020-03-12. Review status: criteria provided, single submitter. Criteria: ACMG Guidelines, 2015. Collection method: clinical testing. Allele origin: germline.
Comment: This missense variant replaces arginine with tryptophan at codon 374 of the APC protein. Computational prediction is inconclusive regarding the impact of this variant on protein structure and function (internally defined REVEL score threshold 0.5 < inconclusive < 0.7, PMID: 27666373). To our knowledge, functional studies have not been reported for this variant. This variant has not been reported in individuals affected with hereditary cancer in the literature. This variant has been identified in 1/250820 chromosomes in the general population by the Genome Aggregation Database (gnomAD). The available evidence is insufficient to determine the role of this variant in disease conclusively. Therefore, this variant is classified as a Variant of Uncertain Significance.